The following is an entry in ClinVar:

NM_017760.7(NCAPG2):c.606A>G (p.Glu202=)

Gene: NCAPG2 (non-SMC condensin II complex subunit G2; minus strand). Cytogenetic location: 7q36.3.
Variant type: single nucleotide variant.
Coding change: c.606A>G on transcript NM_017760.7 (MANE Select); coding-DNA position 606, A replaced by G.
Protein change: p.Glu202=; no amino-acid change (glutamic acid 202 retained).
Molecular consequence: synonymous variant. On other transcripts: non-coding transcript variant (1).
Genome position (GRCh38, 1-based): chr7:158,689,885, T>C on the plus strand (A>G on the coding strand, the complement: NCAPG2 is on the minus strand). VCF-style: chr7-158689885-T-C. GRCh37 (hg19) VCF-style: chr7-158482577-T-C.
Other names: c.606A>G, p.Glu202= (NM_001281932.2, NM_001281933.2).
Identifiers: ClinVar variation 3250716 (VCV003250716.18), dbSNP rs373110454.

ClinVar aggregate classification (germline): Likely benign (1 of 4 stars; one submission).

Allele frequency attached by ClinVar (database versions not stated): gnomAD exomes below 0.00001; ExAC 0.00002; TOPMed 0.00005; gnomAD 0.00006; ESP Exome Variant Server 0.00017.
gnomAD v4.1: 11 of 1,605,394 alleles (0.00069%); highest among the groups gnomAD compares: African/African-American, 0.013%; no homozygotes.

Submission:

CeGaT Center for Human Genetics Tuebingen
Classification: Likely benign. Last evaluated: 2024-06-01. Review status: criteria provided, single submitter. Criteria: CeGaT Center For Human Genetics Tuebingen Variant Classification Criteria Version 2. Collection method: clinical testing. Allele origin: germline. Affected: yes. Observed: 1 variant allele.
Comment: NCAPG2: BP4, BP7